The following is an entry in ClinVar:

NM_006179.5(NTF4):c.617G>A (p.Arg206Gln)

Gene: NTF4 (neurotrophin 4; minus strand). Cytogenetic location: 19q13.33.
Variant type: single nucleotide variant.
Coding change: c.617G>A on transcript NM_006179.5 (MANE Select); coding-DNA position 617, G replaced by A.
Protein change: p.Arg206Gln; replaces arginine 206 with glutamine.
Molecular consequence: missense variant.
Genome position (GRCh38, 1-based): chr19:49,061,381, C>T on the plus strand (G>A on the coding strand, the complement: NTF4 is on the minus strand). VCF-style: chr19-49061381-C-T. GRCh37 (hg19) VCF-style: chr19-49564638-C-T.
Other names: c.617G>A, p.Arg206Gln (NM_001395489.1); short protein forms R206Q.
Identifiers: ClinVar variation 14019 (VCV000014019.3), dbSNP rs121918428, ClinGen allele CA123709.

ClinVar aggregate classification (germline): Uncertain significance. Review status: criteria provided, single submitter (1 of 4 stars). 2 submissions from 2 submitters: Uncertain significance (1). 1 of the submissions does not count toward it. Last evaluated 2024-05-31.

Conditions:
Glaucoma 1, open angle, O (GLC1O). Identifiers: MedGen C2751294, MONDO:0013134, OMIM 613100.

Allele frequency attached by ClinVar (database versions not stated): ExAC 0.00003; gnomAD 0.00004 and 0.00005; gnomAD exomes 0.00004; TOPMed 0.00005; 1000 Genomes Project 0.00040; 1000 Genomes Project 30x 0.00062.

Submissions (2):

Blueprint Genetics
Classification: Uncertain significance. Last evaluated: 2024-05-31. Review status: criteria provided, single submitter. Criteria: ACMG Guidelines, 2015. Collection method: clinical testing. Allele origin: germline.

OMIM
Classification: Pathogenic for GLAUCOMA 1, OPEN ANGLE, O. Last evaluated: 2009-10-01. Review status: flagged submission. Collection method: literature only. Allele origin: germline. Not counted in ClinVar's aggregate classification.
ClinVar note: Notes: Flagging candidate with reason of insufficient supporting evidence. This gene has been disputed by a ClinGen Expert Panel.
ClinVar note: Reason: Other

Literature cited by the submitters: PubMed 19765683 (cited by OMIM).